The following is an entry in ClinVar:

NM_000135.4(FANCA):c.1715+2T>C

Gene: FANCA (FA complementation group A; minus strand). Cytogenetic location: 16q24.3.
Variant type: single nucleotide variant.
Coding change: c.1715+2T>C on transcript NM_000135.4 (MANE Select); the canonical splice donor site of the intron after coding-DNA position 1715, T replaced by C.
Molecular consequence: splice donor variant.
Genome position (GRCh38, 1-based): chr16:89,779,867, A>G on the plus strand (T>C on the coding strand, the complement: FANCA is on the minus strand). VCF-style: chr16-89779867-A-G. GRCh37 (hg19) VCF-style: chr16-89846275-A-G.
Other names: c.1715+2T>C (NM_001286167.3).
Identifiers: ClinVar variation 5003534 (VCV005003534.1).
Genomic context (GRCh38, chr16:89,779,867, plus strand): 5'-GCATCAGAGCGCGGTCTGCACACACTGCAGCTGCTAGAGGCCTTTTCGGCAGCCCAGCCT[A>G]CCTGGCCTCCATGACGGTGACTGGGATGTTCCCCGTATGCTCAAACACCATGATGGCCTT-3'

ClinVar aggregate classification (germline): Likely pathogenic (1 of 4 stars; one submission).

Conditions:
Fanconi anemia complementation group A (FANCA). Also called: Fanconi anemia, group A; FANCA-Related Fanconi Anemia. Identifiers: Orphanet 84, MedGen C3469521, MONDO:0009215, OMIM 227650.

Submission:

Myriad Genetics, Inc.
Classification: Likely pathogenic for Fanconi anemia complementation group A. Last evaluated: 2026-01-22. Review status: criteria provided, single submitter. Criteria: Myriad Autosomal Dominant, Autosomal Recessive and X-Linked Classification Criteria (2023). Collection method: clinical testing. Allele origin: unknown.
Comment: NM_000135.2(FANCA):c.1715+2T>C is a variant in a canonical splice site classified as likely pathogenic in the context of Fanconi anemia complementation group A. c.1715+2T>C has not been observed in cases with relevant disease. Relevant functional assessments of this variant are not available in the literature. c.1715+2T>C has not been observed in referenced population frequency databases. In summary, NM_000135.2(FANCA):c.1715+2T>C is a variant in a canonical splice site in a gene where loss of function is a known mechanism of disease and is predicted to disrupt protein function. Please note: this variant was assessed in the context of healthy population screening.